The following is an entry in ClinVar:

NM_001329943.3(KIAA0586):c.1909del (p.Ile637fs)

Gene: KIAA0586 (KIAA0586; plus strand). Cytogenetic location: 14q23.1.
Variant type: Deletion.
Coding change: c.1909del on transcript NM_001329943.3 (MANE Select); coding-DNA position 1909, one base deleted (A; older notation c.1909delA).
Protein change: p.Ile637fs; shifts the reading frame from isoleucine 637.
Molecular consequence: frameshift variant.
Genome position (GRCh38, 1-based): chr14:58,461,010, A deleted; the last of 2 consecutive A bases (chr14:58,461,009-58,461,010); deleting either gives the same sequence. VCF-style (leftmost placement, unchanged base first): chr14-58461008-TA-T. GRCh37 (hg19) VCF-style: chr14-58927726-TA-T.
Other names: c.2068del, p.Ile690fs (NM_001244189.2); c.1864del, p.Ile622fs (NM_001244190.2); c.1654del, p.Ile552fs (NM_001244191.2, NM_001329945.2, NM_001364700.1 and 1 more transcripts); c.1777del, p.Ile593fs (NM_001244192.2); c.1489del, p.Ile497fs (NM_001244193.2); c.1909del, p.Ile637fs (NM_001329944.2, NM_001329946.2, NM_001329947.2); c.1681del, p.Ile561fs (NM_014749.5); short protein forms I497fs, I552fs, I561fs, I593fs, I622fs, I637fs, I690fs.
Identifiers: ClinVar variation 2629964 (VCV002629964.1), dbSNP rs2543152585, ClinGen allele CA2695199824.

ClinVar aggregate classification (germline): Pathogenic (1 of 4 stars; one submission).

Conditions:
KIAA0586-related disorder. Also called: KIAA0586- Related disorders; KIAA0586-related condition.

Submission:

PreventionGenetics, part of Exact Sciences
Classification: Pathogenic for KIAA0586-related condition. Last evaluated: 2023-01-25. Review status: criteria provided, single submitter. Criteria: ACMG Guidelines, 2015. Collection method: clinical testing. Allele origin: germline.
Comment: The KIAA0586 c.2068delA variant is predicted to result in a frameshift and premature protein termination (p.Ile690Tyrfs*45). To our knowledge, this variant has not been reported in the literature or in a large population database, indicating this variant is rare. Frameshift variants in KIAA0586 are expected to be pathogenic. This variant is interpreted as pathogenic.